The following is an entry in ClinVar:

NC_000006.12:g.32853744G>A

Gene: TAP1 (transporter 1, ATP binding cassette subfamily B member; minus strand). Cytogenetic location: 6p21.32.
Variant type: single nucleotide variant.
Genome position: GRCh38 VCF-style: chr6-32853744-G-A. GRCh37 (hg19) VCF-style: chr6-32821521-G-A.
Identifiers: ClinVar variation 640487 (VCV000640487.7), dbSNP rs773285146, ClinGen allele CA136998590.
Genomic context (GRCh38, chr6:32,853,744, plus strand): 5'-CGCCCCGGTGGGGCCTGAAGCTCCGGGTACCGCCGAGTCCTCCCCTACTGGCGGCTGGGG[G>A]AGGGAACGAGGGCGGGGCTCTCGGAAAGTCCCAGGAACAGGCTGATCCTGCGCTGGCGAG-3'

ClinVar aggregate classification (germline): Uncertain significance (1 of 4 stars; one submission).

Conditions:
MHC class I deficiency. Identifiers: Orphanet 34592, MedGen C6024714, MONDO:0011476.

Allele frequency attached by ClinVar (database versions not stated): TOPMed 0.00005; gnomAD 0.00002 and 0.00001.

Submission:

Labcorp Genetics (formerly Invitae), Labcorp
Classification: Uncertain significance for MHC class I deficiency 1. Last evaluated: 2022-09-19. Review status: criteria provided, single submitter. Criteria: Invitae Variant Classification Sherloc (09022015). Collection method: clinical testing. Allele origin: germline.
Comment: The frequency data for this variant in the population databases is considered unreliable, as metrics indicate poor data quality at this position in the gnomAD database. This sequence change replaces proline, which is neutral and non-polar, with serine, which is neutral and polar, at codon 25 of the TAP1 protein (p.Pro25Ser). In summary, the available evidence is currently insufficient to determine the role of this variant in disease. Therefore, it has been classified as a Variant of Uncertain Significance. Algorithms developed to predict the effect of missense changes on protein structure and function are either unavailable or do not agree on the potential impact of this missense change (SIFT: "Tolerated"; PolyPhen-2: "Not Available"; Align-GVGD: "Class C0"). ClinVar contains an entry for this variant (Variation ID: 640487). This variant has not been reported in the literature in individuals affected with TAP1-related conditions.